The following is an entry in ClinVar:

ClinVar aggregate classification (germline): Conflicting classifications of pathogenicity. Review status: criteria provided, conflicting classifications (1 of 4 stars). 3 submissions from 3 submitters: Uncertain significance (2); Likely benign (1). Last evaluated 2023-03-23.

Conditions:
Hereditary cancer-predisposing syndrome. Also called: Neoplastic Syndromes, Hereditary; Hereditary Cancer Syndrome; Hereditary neoplastic syndrome; Tumor predisposition. Identifiers: Orphanet 140162, MedGen C0027672, MeSH D009386, MONDO:0015356.
Hereditary breast ovarian cancer syndrome. Also called: Hereditary breast and ovarian cancer syndrome (HBOC); Hereditary breast and ovarian cancer syndrome; Breast and ovarian cancer; Hereditary breast and/or ovarian cancer syndrome; Hereditary breast and ovarian cancer; BRCA1- and BRCA2-Associated Hereditary Breast and Ovarian Cancer. Identifiers: Orphanet 145, MedGen C0677776, MeSH D061325, MONDO:0003582. Disease mechanism: loss of function.

Submissions (3):

University of Washington Department of Laboratory Medicine, University of Washington
Classification: Likely benign for Hereditary cancer-predisposing syndrome. Last evaluated: 2023-03-23. Review status: criteria provided, single submitter. Criteria: Dines et al. (Genet Med. 2020). Collection method: curation. Allele origin: germline.
Comment: Missense variant in a coldspot region where missense variants are very unlikely to be pathogenic (PMID:31911673).

BRCA2 exon 11 coldspot. Reclassification based on statistical prior probability.

Ambry Genetics
Classification: Uncertain significance for Hereditary cancer-predisposing syndrome. Last evaluated: 2022-03-17. Review status: criteria provided, single submitter. Criteria: Ambry Variant Classification Scheme 2023. Collection method: clinical testing. Allele origin: germline.
Comment: The p.L971I variant (also known as c.2911T>A), located in coding exon 10 of the BRCA2 gene, results from a T to A substitution at nucleotide position 2911. The leucine at codon 971 is replaced by isoleucine, an amino acid with highly similar properties. This amino acid position is not well conserved in available vertebrate species. In addition, this alteration is predicted to be tolerated by in silico analysis. Since supporting evidence is limited at this time, the clinical significance of this alteration remains unclear.

Labcorp Genetics (formerly Invitae), Labcorp
Classification: Uncertain significance for Hereditary breast ovarian cancer syndrome. Last evaluated: 2017-05-26. Review status: criteria provided, single submitter. Criteria: Invitae Variant Classification Sherloc (09022015). Collection method: clinical testing. Allele origin: germline.
Comment: Algorithms developed to predict the effect of missense changes on protein structure and function (SIFT, PolyPhen-2, Align-GVGD) all suggest that this variant is likely to be tolerated, but these predictions have not been confirmed by published functional studies and their clinical significance is uncertain. This sequence change replaces leucine with isoleucine at codon 971 of the BRCA2 protein (p.Leu971Ile). The leucine residue is weakly conserved and there is a small physicochemical difference between leucine and isoleucine. This variant is not present in population databases (ExAC no frequency). This variant has not been reported in the literature in individuals with a BRCA2-related disease. In summary, this variant has uncertain impact on BRCA2 function. The available evidence is currently insufficient to determine its role in disease. Therefore, it has been classified as a Variant of Uncertain Significance.

NM_000059.4(BRCA2):c.2911T>A (p.Leu971Ile)

Gene: BRCA2 (BRCA2 DNA repair associated; plus strand). Cytogenetic location: 13q13.1.
Variant type: single nucleotide variant.
Coding change: c.2911T>A on transcript NM_000059.4 (MANE Select); coding-DNA position 2911, T replaced by A.
Protein change: p.Leu971Ile; replaces leucine 971 with isoleucine.
Molecular consequence: missense variant.
Genome position (GRCh38, 1-based): chr13:32,337,266, T>A. VCF-style: chr13-32337266-T-A. GRCh37 (hg19) VCF-style: chr13-32911403-T-A.
Other names: short protein forms L971I.
Identifiers: ClinVar variation 462281 (VCV000462281.12), dbSNP rs1555282936, ClinGen allele CA387774190.